The following is an entry in ClinVar:

ClinVar aggregate classification (germline): Pathogenic (1 of 4 stars; one submission).

Allele frequency attached by ClinVar (database versions not stated): gnomAD exomes 0.00001.
gnomAD v4.1: 3 of 1,613,854 alleles (0.00019%); highest among the groups gnomAD compares: Non-Finnish European, 0.00025%; no homozygotes.

Submission:

Labcorp Genetics (formerly Invitae), Labcorp
Classification: Pathogenic. Last evaluated: 2024-11-21. Review status: criteria provided, single submitter. Criteria: Invitae Variant Classification Sherloc (09022015). Collection method: clinical testing. Allele origin: germline.
Comment: This sequence change creates a premature translational stop signal (p.Gln2146*) in the MYO18B gene. It is expected to result in an absent or disrupted protein product. Loss-of-function variants in MYO18B are known to be pathogenic (PMID: 25748484, 32184166, 32637634). This variant is not present in population databases (gnomAD no frequency). This premature translational stop signal has been observed in individual(s) with Klippel-Feil syndrome with myopathy and facial dysmorphism (PMID: 35627109). ClinVar contains an entry for this variant (Variation ID: 1407417). For these reasons, this variant has been classified as Pathogenic.

Literature cited by the submitters: PubMed 25748484; PubMed 32184166; PubMed 32637634; PubMed 35627109.

NM_032608.7(MYO18B):c.6436C>T (p.Gln2146Ter)

Gene: MYO18B (myosin XVIIIB; plus strand). Cytogenetic location: 22q12.1.
Variant type: single nucleotide variant.
Coding change: c.6436C>T on transcript NM_032608.7 (MANE Select); coding-DNA position 6436, C replaced by T.
Protein change: p.Gln2146Ter; replaces glutamine 2146 with a stop codon.
Molecular consequence: nonsense.
Genome position (GRCh38, 1-based): chr22:26,004,821, C>T. VCF-style: chr22-26004821-C-T. GRCh37 (hg19) VCF-style: chr22-26400787-C-T.
Other names: c.6439C>T, p.Gln2147Ter (NM_001318245.2); short protein forms Q2146*, Q2147*.
Identifiers: ClinVar variation 1407417 (VCV001407417.6), dbSNP rs2146919800, ClinGen allele CA411007265.
Genomic context (GRCh38, chr22:26,004,821, plus strand): 5'-CAGTCCTGGTTGAGCTGTACTCTGTCCCTGGCCACAGATACTATGAGGACTCCTTCTCGA[C>T]AGTCAGCCACCAGCAGCCGCATCCTCAGCCCCAGGTAAGAGTATCTCCTTGCTGCCTCTG-3'